The following is an entry in ClinVar:

NM_001903.5(CTNNA1):c.469-19G>C

Gene: CTNNA1 (catenin alpha 1; plus strand). Cytogenetic location: 5q31.2.
Variant type: single nucleotide variant.
Coding change: c.469-19G>C on transcript NM_001903.5 (MANE Select); 19 bases into the intron before coding-DNA position 469, G replaced by C.
Molecular consequence: intron variant.
Genome position (GRCh38, 1-based): chr5:138,812,164, G>C. VCF-style: chr5-138812164-G-C. GRCh37 (hg19) VCF-style: chr5-138147853-G-C.
Other names: c.469-19G>C (NM_001323982.2, NM_001323984.2, NM_001290307.3 and 3 more transcripts); c.100-19G>C (NM_001290310.3); c.160-19G>C (NM_001290309.3).
Identifiers: ClinVar variation 1571997 (VCV001571997.9), dbSNP rs749020625, ClinGen allele CA3431460.

ClinVar aggregate classification (germline): Likely benign. Review status: criteria provided, multiple submitters, no conflicts (2 of 4 stars). 2 submissions from 2 submitters: Likely benign (2). Last evaluated 2024-11-28.

Conditions:
Hereditary diffuse gastric adenocarcinoma (HDGC). Also called: DIFFUSE GASTRIC AND LOBULAR BREAST CANCER SYNDROME. Identifiers: Orphanet 26106, MedGen C1708349, MONDO:0007648, OMIM 137215.

gnomAD v4.1: 1 of 1,606,768 alleles (0.000062%); highest among the groups gnomAD compares: Middle Eastern, 0.017%; no homozygotes.

Submissions (2):

Labcorp Genetics (formerly Invitae), Labcorp
Classification: Likely benign. Last evaluated: 2024-11-28. Review status: criteria provided, single submitter. Criteria: Invitae Variant Classification Sherloc (09022015). Collection method: clinical testing. Allele origin: germline.

Myriad Genetics, Inc.
Classification: Likely benign for Hereditary diffuse gastric adenocarcinoma. Last evaluated: 2024-10-09. Review status: criteria provided, single submitter. Criteria: Myriad Autosomal Dominant, Autosomal Recessive and X-Linked Classification Criteria (2023). Collection method: clinical testing. Allele origin: unknown.
Comment: This variant is considered likely benign. This variant is intronic and is not expected to impact mRNA splicing.